The following is an entry in ClinVar:

ClinVar aggregate classification (germline): Uncertain significance (1 of 4 stars; one submission).

Submission:

GeneDx
Classification: Uncertain significance. Last evaluated: 2024-11-14. Review status: criteria provided, single submitter. Criteria: GeneDx Variant Classification Process June 2021. Collection method: clinical testing. Allele origin: germline.
Comment: Not observed at significant frequency in large population cohorts (gnomAD); In silico analysis supports that this missense variant has a deleterious effect on protein structure/function; Has not been previously published as pathogenic or benign to our knowledge

NM_002941.4(ROBO1):c.4340A>G (p.Asp1447Gly)

Gene: ROBO1 (roundabout guidance receptor 1; minus strand). Cytogenetic location: 3p12.3.
Variant type: single nucleotide variant.
Coding change: c.4340A>G on transcript NM_002941.4 (MANE Select); coding-DNA position 4340, A replaced by G.
Protein change: p.Asp1447Gly; replaces aspartic acid 1447 with glycine.
Molecular consequence: missense variant.
Genome position (GRCh38, 1-based): chr3:78,614,743, T>C on the plus strand (A>G on the coding strand, the complement: ROBO1 is on the minus strand). VCF-style: chr3-78614743-T-C. GRCh37 (hg19) VCF-style: chr3-78663893-T-C.
Other names: c.4205A>G, p.Asp1402Gly (NM_001145844.1, NM_133631.4); c.4040A>G, p.Asp1347Gly (NM_001145845.2); short protein forms D1347G, D1402G, D1447G.
Identifiers: ClinVar variation 1712641 (VCV001712641.3), dbSNP rs2471689960, ClinGen allele CA353647713.